The following is an entry in ClinVar:

NM_003907.3(EIF2B5):c.468C>G (p.Ile156Met)

Gene: EIF2B5 (eukaryotic translation initiation factor 2B subunit epsilon; plus strand). Cytogenetic location: 3q27.1.
Variant type: single nucleotide variant.
Coding change: c.468C>G on transcript NM_003907.3 (MANE Select); coding-DNA position 468, C replaced by G.
Protein change: p.Ile156Met; replaces isoleucine 156 with methionine.
Molecular consequence: missense variant.
Genome position (GRCh38, 1-based): chr3:184,137,767, C>G. VCF-style: chr3-184137767-C-G. GRCh37 (hg19) VCF-style: chr3-183855555-C-G.
Other names: short protein forms I156M.
Identifiers: ClinVar variation 992848 (VCV000992848.5), dbSNP rs1577029823, ClinGen allele CA355382018.

ClinVar aggregate classification (germline): Pathogenic/Likely pathogenic. Review status: criteria provided, multiple submitters, no conflicts (2 of 4 stars). 2 submissions from 2 submitters: Pathogenic (1); Likely pathogenic (1). Last evaluated 2022-03-04.

Submissions (2):

Labcorp Genetics (formerly Invitae), Labcorp
Classification: Pathogenic. Last evaluated: 2022-03-04. Review status: criteria provided, single submitter. Criteria: Invitae Variant Classification Sherloc (09022015). Collection method: clinical testing. Allele origin: germline.
Comment: This variant is not present in population databases (gnomAD no frequency). This missense change has been observed in individuals with leukoencephalopathy with vanishing white matter (PMID: 16807905, 25089094, 32293553). It has also been observed to segregate with disease in related individuals. ClinVar contains an entry for this variant (Variation ID: 992848). Advanced modeling of protein sequence and biophysical properties (such as structural, functional, and spatial information, amino acid conservation, physicochemical variation, residue mobility, and thermodynamic stability) performed at Invitae indicates that this missense variant is expected to disrupt EIF2B5 protein function. For these reasons, this variant has been classified as Pathogenic. This sequence change replaces isoleucine, which is neutral and non-polar, with methionine, which is neutral and non-polar, at codon 156 of the EIF2B5 protein (p.Ile156Met).

Laboratoire de Génétique Moléculaire, CHU Bordeaux
Classification: Likely pathogenic. Review status: criteria provided, single submitter. Criteria: ACMG Guidelines, 2015. Collection method: clinical testing. Allele origin: germline. Affected: yes.

Literature cited by the submitters: PubMed 16807905 (cited by Labcorp Genetics (formerly Invitae), Labcorp); PubMed 25089094 (cited by Labcorp Genetics (formerly Invitae), Labcorp); PubMed 32293553 (cited by Labcorp Genetics (formerly Invitae), Labcorp).